The following is an entry in ClinVar:

NM_001231.5(CASQ1):c.283G>A (p.Ala95Thr)

Gene: CASQ1 (calsequestrin 1; plus strand). Cytogenetic location: 1q23.2.
Variant type: single nucleotide variant.
Coding change: c.283G>A on transcript NM_001231.5 (MANE Select); coding-DNA position 283, G replaced by A.
Protein change: p.Ala95Thr; replaces alanine 95 with threonine.
Molecular consequence: missense variant.
Genome position (GRCh38, 1-based): chr1:160,192,805, G>A. VCF-style: chr1-160192805-G-A. GRCh37 (hg19) VCF-style: chr1-160162595-G-A.
Other names: short protein forms A95T.
Identifiers: ClinVar variation 1308137 (VCV001308137.3), dbSNP rs1427370610, ClinGen allele CA343252641.

ClinVar aggregate classification (germline): Uncertain significance (1 of 4 stars; one submission).

Submission:

GeneDx
Classification: Uncertain significance. Last evaluated: 2024-06-21. Review status: criteria provided, single submitter. Criteria: GeneDx Variant Classification Process June 2021. Collection method: clinical testing. Allele origin: germline. Affected: yes.
Comment: Not observed at significant frequency in large population cohorts (gnomAD); In silico analysis indicates that this missense variant does not alter protein structure/function; Has not been previously published as pathogenic or benign to our knowledge; In silico analysis is inconclusive as to whether the variant alters gene splicing. In the absence of RNA/functional studies, the actual effect of this sequence change is unknown.